The following is an entry in ClinVar:

NC_000007.14:g.(?_5989790)_(5992067_?)del

Gene: PMS2 (PMS1 homolog 2, mismatch repair system component; minus strand). Cytogenetic location: 7p22.1.
Variant type: Deletion.
Identifiers: ClinVar variation 584261 (VCV000584261.7).

ClinVar aggregate classification (germline): Pathogenic (1 of 4 stars; one submission).

Conditions:
Hereditary nonpolyposis colorectal neoplasms. Identifiers: MedGen C0009405, MeSH D003123.

Submission:

Labcorp Genetics (formerly Invitae), Labcorp
Classification: Pathogenic for Hereditary nonpolyposis colorectal neoplasms. Last evaluated: 2022-10-05. Review status: criteria provided, single submitter. Criteria: Invitae Variant Classification Sherloc (09022015). Collection method: clinical testing. Allele origin: germline.
Comment: This variant is a gross deletion of the genomic region encompassing exon(s) 9-10 of the PMS2 gene. This deletion is out-of-frame, and is expected to create a premature termination codon and result in an absent or disrupted protein product. Loss-of-function variants in PMS2 are known to be pathogenic (PMID: 21376568, 24362816). A similar copy number variant has been observed in individual(s) with early-onset colon cancer (PMID: 18602922). ClinVar contains an entry for this variant (Variation ID: 91379). For these reasons, this variant has been classified as Pathogenic.

Literature cited by the submitters: PubMed 21376568; PubMed 24362816; PubMed 18602922.